The following is an entry in ClinVar:

NM_000092.5(COL4A4):c.728G>C (p.Gly243Ala)

Gene: COL4A4 (collagen type IV alpha 4 chain; minus strand). Cytogenetic location: 2q36.3.
Variant type: single nucleotide variant.
Coding change: c.728G>C on transcript NM_000092.5 (MANE Select); coding-DNA position 728, G replaced by C.
Protein change: p.Gly243Ala; replaces glycine 243 with alanine.
Molecular consequence: missense variant.
Genome position (GRCh38, 1-based): chr2:227,108,588, C>G on the plus strand (G>C on the coding strand, the complement: COL4A4 is on the minus strand). VCF-style: chr2-227108588-C-G. GRCh37 (hg19) VCF-style: chr2-227973304-C-G.
Other names: p.(Gly243Ala); short protein forms G243A.
Identifiers: ClinVar variation 4884704 (VCV004884704.1).

ClinVar aggregate classification (germline): Likely pathogenic (1 of 4 stars; one submission).

Conditions:
Autosomal dominant Alport syndrome (ATS3A). Also called: Alport syndrome dominant type; Renal failure and sensorineural hearing loss; ALPORT SYNDROME 3A, AUTOSOMAL DOMINANT. Identifiers: Orphanet 63, Orphanet 88918, MedGen C5882663, MONDO:0007086, OMIM 104200.
Hematuria, benign familial, 1 (BFH1). Also called: THIN MEMBRANE NEPHROPATHY. Identifiers: MedGen CN376803, MONDO:0007709, OMIM 141200.

Submission:

Centre de Génétique Humaine, Institut de Pathologie Et de Génétique
Classification: Likely pathogenic for Hematuria, benign familial, 1; Autosomal dominant Alport syndrome. Last evaluated: 2026-05-28. Review status: criteria provided, single submitter. Criteria: ACMG Guidelines, 2015. Collection method: clinical testing. Allele origin: germline, paternal. Inheritance: Autosomal dominant inheritance. Affected: yes. Observed: 11 variant alleles, 11 heterozygotes. Clinical features observed: Microscopic hematuria (HP:0002907), Moderate albuminuria (HP:0012594), Hypertensive disorder (HP:0000822), Stage 3 chronic kidney disease (HP:0012625), Multiple renal cysts (HP:0005562), Stage 2 chronic kidney disease (HP:0012624), Severe albuminuria (HP:0033066), Stage 4 chronic kidney disease (HP:0012626), Lenticonus (HP:0001142), Sensorineural hearing loss disorder (HP:0000407), Focal segmental glomerulosclerosis (HP:0000097), Stage 5 chronic kidney disease (HP:0003774). Segregation with disease observed.
Comment: This missense variant involves a moderately conserved glycine located in a ‘Gly-X-Y’ motif in collagenous region, which is characteristic of the pathogenic variants identified in the COL4A4 gene (PM1,PP2). This variant is rare: absent in gnomAD v4.1.0 database (PM2). Another missense variant affecting the same residue described as LP: c.727G>C, p.Gly243Arg, PMID: 36130833 (PM5). In silico analysis supports that this missense variant has a deleterious effect (PP3). Described as LP in the scientific litterature in heterozygous status in patients with hematuria, proteinuria and/or TBMN (PP5)

Literature cited by the submitters: PubMed 30348286; PubMed 36130833.